The following is an entry in ClinVar:

NM_001378609.3(OTOGL):c.6884G>A (p.Gly2295Asp)

Gene: OTOGL (otogelin like; plus strand). Cytogenetic location: 12q21.31.
Variant type: single nucleotide variant.
Coding change: c.6884G>A on transcript NM_001378609.3 (MANE Select); coding-DNA position 6884, G replaced by A.
Protein change: p.Gly2295Asp; replaces glycine 2295 with aspartic acid.
Molecular consequence: missense variant.
Genome position (GRCh38, 1-based): chr12:80,377,870, G>A. VCF-style: chr12-80377870-G-A. GRCh37 (hg19) VCF-style: chr12-80771650-G-A.
Other names: c.6749G>A, p.Gly2250Asp (NM_001368062.3); c.6884G>A, p.Gly2295Asp (NM_001378610.3, NM_173591.7); short protein forms G2295D, G2250D.
Identifiers: ClinVar variation 1346293 (VCV001346293.6), dbSNP rs900485380, ClinGen allele CA240208585.

ClinVar aggregate classification (germline): Uncertain significance (1 of 4 stars; one submission).

Allele frequency attached by ClinVar (database versions not stated): gnomAD exomes below 0.00001; gnomAD 0.00001; TOPMed 0.00001.
gnomAD v4.1: 3 of 1,609,608 alleles (0.00019%); highest among the groups gnomAD compares: Non-Finnish European, 0.00025%; no homozygotes.

Submission:

Labcorp Genetics (formerly Invitae), Labcorp
Classification: Uncertain significance. Last evaluated: 2022-04-08. Review status: criteria provided, single submitter. Criteria: Invitae Variant Classification Sherloc (09022015). Collection method: clinical testing. Allele origin: germline.
Comment: This sequence change replaces glycine, which is neutral and non-polar, with aspartic acid, which is acidic and polar, at codon 2286 of the OTOGL protein (p.Gly2286Asp). In summary, the available evidence is currently insufficient to determine the role of this variant in disease. Therefore, it has been classified as a Variant of Uncertain Significance. Algorithms developed to predict the effect of missense changes on protein structure and function are either unavailable or do not agree on the potential impact of this missense change (SIFT: "Deleterious"; PolyPhen-2: "Probably Damaging"; Align-GVGD: "Class C0"). This variant has not been reported in the literature in individuals affected with OTOGL-related conditions. This variant is not present in population databases (gnomAD no frequency).